The following is an entry in ClinVar:

ClinVar aggregate classification (germline): Pathogenic (1 of 4 stars; one submission).

Conditions:
Polycystic kidney disease, adult type (PKD1). Also called: Polycystic Kidney Disease 1, Autosomal Dominant; Polycystic kidney disease 1; Polycystic kidney disease 1, severe; POLYCYSTIC KIDNEY DISEASE, ADULT, TYPE I; Polycystic Kidney, Autosomal Dominant; POLYCYSTIC KIDNEY DISEASE 1 WITH OR WITHOUT POLYCYSTIC LIVER DISEASE. Identifiers: MedGen C3149841, MONDO:0008263, OMIM 173900.

Submission:

Victorian Clinical Genetics Services, Murdoch Childrens Research Institute
Classification: Pathogenic for Polycystic kidney disease, adult type. Last evaluated: 2026-02-10. Review status: criteria provided, single submitter. Criteria: ACMG Guidelines, 2015. Collection method: clinical testing. Allele origin: germline. Affected: yes.
Comment: This variant is classified as Pathogenic. Evidence in support of pathogenic classification: Variant is predicted to cause nonsense-mediated decay (NMD) and loss of protein (premature termination codon is located at least 54 nucleotides upstream of the final exon-exon junction); Variant is absent from gnomAD (v2, v3 and v4); This variant has limited previous evidence of pathogenicity in an individual. Other NMD variant(s) comparable to the one identified in this case have very strong previous evidence for pathogenicity (DECIPHER). Additional information: This variant is heterozygous; This gene is associated with autosomal dominant disease. Polycystic kidney disease 1 (MIM#173900) is predominantly caused by monoallelic variants, with rare reports of biallelic variants causing disease (OMIM); No published evidence of segregation with disease has been identified for this variant; No published functional evidence has been identified for this variant; Loss of function is a known mechanism of disease in this gene and is associated with polycystic kidney disease 1 (MIM#173900); Inheritance information for this variant is not currently available in this individual.

Literature cited by the submitters: PubMed 29520754.

NM_001009944.3(PKD1):c.1287G>A (p.Trp429Ter)

Gene: PKD1 (polycystin 1, transient receptor potential channel interacting; minus strand). Cytogenetic location: 16p13.3.
Variant type: single nucleotide variant.
Coding change: c.1287G>A on transcript NM_001009944.3 (MANE Select); coding-DNA position 1287, G replaced by A.
Protein change: p.Trp429Ter; replaces tryptophan 429 with a stop codon.
Molecular consequence: nonsense.
Genome position (GRCh38, 1-based): chr16:2,117,587, C>T on the plus strand (G>A on the coding strand, the complement: PKD1 is on the minus strand). VCF-style: chr16-2117587-C-T. GRCh37 (hg19) VCF-style: chr16-2167588-C-T.
Other names: c.1287G>A, p.Trp429Ter (NM_000296.4); short protein forms W429*.
Identifiers: ClinVar variation 4879626 (VCV004879626.1).